The following is an entry in ClinVar:

ClinVar aggregate classification (germline): Uncertain significance (1 of 4 stars; one submission).

Conditions:
Inborn genetic diseases. Identifiers: MedGen C0950123, MeSH D030342.

gnomAD v4.1: 2 of 1,613,584 alleles (0.00012%); highest among the groups gnomAD compares: Admixed American, 0.0033%; no homozygotes.

Submission:

Ambry Genetics
Classification: Uncertain significance for Inborn genetic diseases. Last evaluated: 2025-10-22. Review status: criteria provided, single submitter. Criteria: Ambry Variant Classification Scheme 2023. Collection method: clinical testing. Allele origin: germline.
Comment: The p.R318K variant (also known as c.953G>A), located in coding exon 5 of the FANCM gene, results from a G to A substitution at nucleotide position 953. The arginine at codon 318 is replaced by lysine, an amino acid with highly similar properties. This amino acid position is conserved. In addition, this alteration is predicted to be tolerated by in silico analysis. Based on the available evidence, the clinical significance of this variant remains unclear.

NM_020937.4(FANCM):c.953G>A (p.Arg318Lys)

Gene: FANCM (FA complementation group M; plus strand). Cytogenetic location: 14q21.2.
Variant type: single nucleotide variant.
Coding change: c.953G>A on transcript NM_020937.4 (MANE Select); coding-DNA position 953, G replaced by A.
Protein change: p.Arg318Lys; replaces arginine 318 with lysine.
Molecular consequence: missense variant.
Genome position (GRCh38, 1-based): chr14:45,151,431, G>A. VCF-style: chr14-45151431-G-A. GRCh37 (hg19) VCF-style: chr14-45620634-G-A.
Other names: c.875G>A, p.Arg292Lys (NM_001308133.2); c.953G>A, p.Arg318Lys (NM_001308134.2); short protein forms R318K, R292K.
Identifiers: ClinVar variation 4619509 (VCV004619509.1).